The following is an entry in ClinVar:

NM_002397.5(MEF2C):c.566_567dup (p.Pro190fs)

Gene: MEF2C (myocyte enhancer factor 2C; minus strand). Cytogenetic location: 5q14.3.
Variant type: Duplication.
Coding change: c.566_567dup on transcript NM_002397.5 (MANE Select); coding-DNA positions 566 to 567, 2 bases duplicated (GA; older notation c.566_567dupGA).
Protein change: p.Pro190fs; shifts the reading frame from proline 190.
Molecular consequence: frameshift variant.
Genome position (GRCh38, 1-based): chr5:88,751,879-88,751,880, TC duplicated on the plus strand (GA on the coding strand, the reverse complement: MEF2C is on the minus strand). VCF-style (leftmost placement, unchanged base first): chr5-88751878-G-GTC. GRCh37 (hg19) VCF-style: chr5-88047695-G-GTC.
Other names: c.560_561dup, p.Pro188fs (NM_001131005.2, NM_001364343.2, NM_001364352.2); c.620_621dup, p.Pro208fs (NM_001193347.1, NM_001364338.2); c.422_423dup, p.Pro142fs (NM_001193348.1, NM_001193349.3, NM_001364332.2 and 3 more transcripts); c.566_567dup, p.Pro190fs (NM_001193350.2, NM_001308002.3, NM_001363581.2 and 18 more transcripts); c.188_189dup, p.Pro64fs (NM_001364353.2, NM_001364356.2); c.140_141dup, p.Pro48fs (NM_001364357.2); short protein forms P208fs, P142fs, P188fs, P48fs, P64fs, P190fs.
Identifiers: ClinVar variation 424049 (VCV000424049.1), dbSNP rs1554112069, ClinGen allele CA16618222.

ClinVar aggregate classification (germline): Pathogenic (1 of 4 stars; one submission).

Submission:

GeneDx
Classification: Pathogenic. Last evaluated: 2017-02-24. Review status: criteria provided, single submitter. Criteria: GeneDx Variant Classification (06012015). Collection method: clinical testing. Allele origin: germline. Affected: yes.
Comment: The c.566_567dupGA variant in the MEF2C gene has not been reported previously as a pathogenic variant nor as a benign variant, to our knowledge. The c.566_567dupGA variant causes a frameshift starting with codon Proline 190, changes this amino acid to an Aspartic Acid residue, and creates a premature Stop codon at position 11 of the new reading frame, denoted p.Pro190AspfsX11. This variant is predicted to cause loss of normal protein function either through protein truncation or nonsense-mediated mRNA decay. The c.566_567dupGA variant is not observed in large population cohorts (Lek et al., 2016; 1000 Genomes Consortium et al., 2015; Exome Variant Server). We interpret c.566_567dupGA as a pathogenic variant.